The following is an entry in ClinVar:

ClinVar aggregate classification (germline): Conflicting classifications of pathogenicity. Review status: criteria provided, conflicting classifications (1 of 4 stars). 5 submissions from 5 submitters: Uncertain significance (3); Likely benign (1). 1 of the submissions does not count toward it. Last evaluated 2025-07-06.

Conditions:
Inborn genetic diseases. Identifiers: MedGen C0950123, MeSH D030342.
OTOGL-related disorder. Also called: OTOGL-related condition.

Allele frequency attached by ClinVar (database versions not stated): TOPMed 0.00055; ExAC 0.00017; 1000 Genomes Project 0.00040; gnomAD 0.00050 and 0.00055; gnomAD exomes 0.00014; ESP Exome Variant Server 0.00042; 1000 Genomes Project 30x 0.00047.
gnomAD v4.1: 139 of 1,611,332 alleles (0.0086%); highest among the groups gnomAD compares: African/African-American, 0.17%; no homozygotes.

Submissions (5):

Labcorp Genetics (formerly Invitae), Labcorp
Classification: Likely benign. Last evaluated: 2025-07-06. Review status: criteria provided, single submitter. Criteria: Invitae Variant Classification Sherloc (09022015). Collection method: clinical testing. Allele origin: germline.

Ambry Genetics
Classification: Uncertain significance for Inborn genetic diseases. Last evaluated: 2021-07-14. Review status: criteria provided, single submitter. Criteria: Ambry Variant Classification Scheme 2023. Collection method: clinical testing. Allele origin: germline.

GeneDx
Classification: Uncertain significance. Last evaluated: 2021-07-06. Review status: criteria provided, single submitter. Criteria: GeneDx Variant Classification Process June 2021. Collection method: clinical testing. Allele origin: germline. Affected: yes.
Comment: In silico analysis supports that this missense variant does not alter protein structure/function; Has not been previously published as pathogenic or benign to our knowledge; This variant is associated with the following publications: (PMID: 27535533)

Breakthrough Genomics
Classification: Uncertain significance. Review status: criteria provided, single submitter. Criteria: ACMG Guidelines, 2015. Collection method: not provided. Allele origin: germline. Inheritance: Autosomal recessive inheritance. Affected: yes.

PreventionGenetics, part of Exact Sciences
Classification: Likely benign for OTOGL-related condition. Last evaluated: 2024-03-14. Review status: no assertion criteria provided. Collection method: clinical testing. Allele origin: germline. Not counted in ClinVar's aggregate classification.
Comment: This variant is classified as likely benign based on ACMG/AMP sequence variant interpretation guidelines (Richards et al. 2015 PMID: 25741868, with internal and published modifications).

NM_001378609.3(OTOGL):c.4976C>T (p.Ser1659Phe)

Gene: OTOGL (otogelin like; plus strand). Cytogenetic location: 12q21.31.
Variant type: single nucleotide variant.
Coding change: c.4976C>T on transcript NM_001378609.3 (MANE Select); coding-DNA position 4976, C replaced by T.
Protein change: p.Ser1659Phe; replaces serine 1659 with phenylalanine.
Molecular consequence: missense variant.
Genome position (GRCh38, 1-based): chr12:80,339,190, C>T. VCF-style: chr12-80339190-C-T. GRCh37 (hg19) VCF-style: chr12-80732970-C-T.
Other names: c.4841C>T, p.Ser1614Phe (NM_001368062.3); c.4976C>T, p.Ser1659Phe (NM_001378610.3, NM_173591.7); short protein forms S1614F, S1659F.
Identifiers: ClinVar variation 1254782 (VCV001254782.10), dbSNP rs181109105, ClinGen allele CA6701564.
Genomic context (GRCh38, chr12:80,339,190, plus strand): 5'-TAGAGGATTCTGGTTCAATGTATGTAATTACTACTCCAGCTGGACTAATCATAAAGTGGT[C>T]TCATCTTACAGGAATCATAGACATTCATTTTGGCTTCCGATTTAACTTGTCATCCTACAC-3'
Protein context (NP_001365538.2, residues 1649-1669): TTPAGLIIKW[Ser1659Phe]HLTGIIDIHF